The following is an entry in ClinVar:

NM_000536.4(RAG2):c.1283A>T (p.Asn428Ile)

Gene: RAG2 (recombination activating 2; minus strand). Cytogenetic location: 11p12.
Variant type: single nucleotide variant.
Coding change: c.1283A>T on transcript NM_000536.4 (MANE Select); coding-DNA position 1283, A replaced by T.
Protein change: p.Asn428Ile; replaces asparagine 428 with isoleucine.
Molecular consequence: missense variant.
Genome position (GRCh38, 1-based): chr11:36,592,886, T>A on the plus strand (A>T on the coding strand, the complement: RAG2 is on the minus strand). VCF-style: chr11-36592886-T-A. GRCh37 (hg19) VCF-style: chr11-36614436-T-A.
Other names: c.1283A>T, p.Asn428Ile (NM_001243785.2, NM_001243786.2); short protein forms N428I.
Identifiers: ClinVar variation 1982418 (VCV001982418.1), dbSNP rs1370991739, ClinGen allele CA380140702.

ClinVar aggregate classification (germline): Uncertain significance (1 of 4 stars; one submission).

Conditions:
Severe combined immunodeficiency, autosomal recessive, T cell-negative, B cell-negative, NK cell-positive. Also called: SCID, AR, T-cell negative, B-cell negative, NK cell-positive; SCID, T CELL-NEGATIVE, B CELL-NEGATIVE, NK CELL-POSITIVE; Severe combined immunodeficiency due to complete RAG1/2 deficiency. Identifiers: Orphanet 331206, MedGen C1832322, MONDO:0011086, OMIM 601457.
Combined immunodeficiency with skin granulomas. Identifiers: Orphanet 157949, MedGen C2673536, MONDO:0009306, OMIM 233650.

Allele frequency attached by ClinVar (database versions not stated): gnomAD exomes 0.00001.
gnomAD v4.1: 10 of 1,614,152 alleles (0.00062%); highest among the groups gnomAD compares: Non-Finnish European, 0.00085%; no homozygotes.

Submission:

Labcorp Genetics (formerly Invitae), Labcorp
Classification: Uncertain significance for Combined immunodeficiency with skin granulomas; Severe combined immunodeficiency, autosomal recessive, T cell-negative, B cell-negative, NK cell-positive. Last evaluated: 2022-03-20. Review status: criteria provided, single submitter. Criteria: Invitae Variant Classification Sherloc (09022015). Collection method: clinical testing. Allele origin: germline.
Comment: This sequence change replaces asparagine, which is neutral and polar, with isoleucine, which is neutral and non-polar, at codon 428 of the RAG2 protein (p.Asn428Ile). This variant is present in population databases (no rsID available, gnomAD 0.0009%). This variant has not been reported in the literature in individuals affected with RAG2-related conditions. Advanced modeling of protein sequence and biophysical properties (such as structural, functional, and spatial information, amino acid conservation, physicochemical variation, residue mobility, and thermodynamic stability) performed at Invitae indicates that this missense variant is expected to disrupt RAG2 protein function. In summary, the available evidence is currently insufficient to determine the role of this variant in disease. Therefore, it has been classified as a Variant of Uncertain Significance.